The following is an entry in ClinVar:

ClinVar aggregate classification (germline): Uncertain significance. Review status: criteria provided, multiple submitters, no conflicts (2 of 4 stars). 2 submissions from 2 submitters: Uncertain significance (2). Last evaluated 2023-02-15.

Conditions:
SMCHD1-related disorder. Also called: SMCHD1-related condition.

Allele frequency attached by ClinVar (database versions not stated): gnomAD exomes 0.00001; ExAC 0.00002.
gnomAD v4.1: 10 of 1,593,156 alleles (0.00063%); highest among the groups gnomAD compares: Non-Finnish European, 0.00068%; no homozygotes.

Submissions (2):

PreventionGenetics, part of Exact Sciences
Classification: Uncertain significance for SMCHD1-related condition. Last evaluated: 2023-02-15. Review status: criteria provided, single submitter. Criteria: ACMG Guidelines, 2015. Collection method: clinical testing. Allele origin: germline.
Comment: The SMCHD1 c.5738G>A variant is predicted to result in the amino acid substitution p.Arg1913His. To our knowledge, this variant has not been reported in the literature. This variant is reported in 0.0020% of alleles in individuals of European (Non-Finnish) descent in gnomAD. At this time, the clinical significance of this variant is uncertain due to the absence of conclusive functional and genetic evidence.

Revvity Omics, Revvity
Classification: Uncertain significance. Last evaluated: 2021-11-15. Review status: criteria provided, single submitter. Criteria: ACMG Guidelines, 2015. Collection method: clinical testing. Allele origin: germline.

NM_015295.3(SMCHD1):c.5738G>A (p.Arg1913His)

Gene: SMCHD1 (structural maintenance of chromosomes flexible hinge domain containing 1; plus strand). Cytogenetic location: 18p11.32.
Variant type: single nucleotide variant.
Coding change: c.5738G>A on transcript NM_015295.3 (MANE Select); coding-DNA position 5738, G replaced by A.
Protein change: p.Arg1913His; replaces arginine 1913 with histidine.
Molecular consequence: missense variant.
Genome position (GRCh38, 1-based): chr18:2,795,967, G>A. VCF-style: chr18-2795967-G-A. GRCh37 (hg19) VCF-style: chr18-2795965-G-A.
Other names: short protein forms R1913H.
Identifiers: ClinVar variation 2436196 (VCV002436196.4), dbSNP rs773099791, ClinGen allele CA8871784.